The following is an entry in ClinVar:

NM_198578.4(LRRK2):c.5117C>T (p.Ser1706Leu)

Gene: LRRK2 (leucine rich repeat kinase 2; plus strand). Cytogenetic location: 12q12.
Variant type: single nucleotide variant.
Coding change: c.5117C>T on transcript NM_198578.4 (MANE Select); coding-DNA position 5117, C replaced by T.
Protein change: p.Ser1706Leu; replaces serine 1706 with leucine.
Molecular consequence: missense variant.
Genome position (GRCh38, 1-based): chr12:40,321,135, C>T. VCF-style: chr12-40321135-C-T. GRCh37 (hg19) VCF-style: chr12-40714937-C-T.
Other names: short protein forms S1706L.
Identifiers: ClinVar variation 1745440 (VCV001745440.2), dbSNP rs2499878791, ClinGen allele CA384420032.

ClinVar aggregate classification (germline): Uncertain significance (1 of 4 stars; one submission).

Conditions:
Inborn genetic diseases. Identifiers: MedGen C0950123, MeSH D030342.

Submission:

Ambry Genetics
Classification: Uncertain significance for Inborn genetic diseases. Last evaluated: 2022-09-25. Review status: criteria provided, single submitter. Criteria: Ambry Variant Classification Scheme 2023. Collection method: clinical testing. Allele origin: germline.
Comment: The p.S1706L variant (also known as c.5117C>T), located in coding exon 35 of the LRRK2 gene, results from a C to T substitution at nucleotide position 5117. The serine at codon 1706 is replaced by leucine, an amino acid with dissimilar properties. This amino acid position is conserved. In addition, this alteration is predicted to be deleterious by in silico analysis. Since supporting evidence is limited at this time, the clinical significance of this alteration remains unclear.